The following is an entry in ClinVar:

ClinVar aggregate classification (germline): Uncertain significance (1 of 4 stars; one submission).

gnomAD v4.1: 1 of 1,613,780 alleles (0.000062%); highest among the groups gnomAD compares: Non-Finnish European, 0.000085%; no homozygotes.

Submission:

GeneDx
Classification: Uncertain significance. Last evaluated: 2025-05-31. Review status: criteria provided, single submitter. Criteria: GeneDx Variant Classification Process June 2021. Collection method: clinical testing. Allele origin: germline. Affected: yes.
Comment: Not observed at significant frequency in large population cohorts (gnomAD); In silico analysis supports that this missense variant has a deleterious effect on protein structure/function; Has not been previously published as pathogenic or benign to our knowledge

NM_015557.3(CHD5):c.3272C>T (p.Ala1091Val)

Gene: CHD5 (chromodomain helicase DNA binding protein 5; minus strand). Cytogenetic location: 1p36.31.
Variant type: single nucleotide variant.
Coding change: c.3272C>T on transcript NM_015557.3 (MANE Select); coding-DNA position 3272, C replaced by T.
Protein change: p.Ala1091Val; replaces alanine 1091 with valine.
Molecular consequence: missense variant.
Genome position (GRCh38, 1-based): chr1:6,130,319, G>A on the plus strand (C>T on the coding strand, the complement: CHD5 is on the minus strand). VCF-style: chr1-6130319-G-A. GRCh37 (hg19) VCF-style: chr1-6190379-G-A.
Other names: short protein forms A1091V.
Identifiers: ClinVar variation 4532304 (VCV004532304.1).